The following is an entry in ClinVar:

ClinVar aggregate classification (germline): Uncertain significance (1 of 4 stars; one submission).

Submission:

GeneDx
Classification: Uncertain significance. Last evaluated: 2026-03-02. Review status: criteria provided, single submitter. Criteria: GeneDx Variant Classification Process June 2021. Collection method: clinical testing. Allele origin: germline.
Comment: Not observed at significant frequency in large population cohorts (gnomAD); In silico analysis supports that this missense variant has a deleterious effect on protein structure/function; Has not been previously published as pathogenic or benign to our knowledge

NM_021098.3(CACNA1H):c.1202T>C (p.Leu401Pro)

Gene: CACNA1H (calcium voltage-gated channel subunit alpha1 H; plus strand). Cytogenetic location: 16p13.3.
Variant type: single nucleotide variant.
Coding change: c.1202T>C on transcript NM_021098.3 (MANE Select); coding-DNA position 1202, T replaced by C.
Protein change: p.Leu401Pro; replaces leucine 401 with proline.
Molecular consequence: missense variant.
Genome position (GRCh38, 1-based): chr16:1,200,798, T>C. VCF-style: chr16-1200798-T-C. GRCh37 (hg19) VCF-style: chr16-1250798-T-C.
Other names: c.1202T>C, p.Leu401Pro (NM_001005407.2); short protein forms L401P.
Identifiers: ClinVar variation 4888057 (VCV004888057.1).
Genomic context (GRCh38, chr16:1,200,798, plus strand): 5'-TGGACATCATGTACTACGTCATGGACGCCCACTCATTCTACAACTTCATCTATTTCATCC[T>C]GCTCATCATCGTGAGTGTGGGCGGCAGTGTTCGCCATGATGGGCCCTGGTGTTAGCTGGC-3'
Protein context (NP_066921.2, residues 391-411): HSFYNFIYFI[Leu401Pro]LIIVGSFFMI